The following is an entry in ClinVar:

NM_032444.4(SLX4):c.2120A>G (p.Lys707Arg)

Gene: SLX4 (SLX4 structure-specific endonuclease subunit; minus strand). Cytogenetic location: 16p13.3.
Variant type: single nucleotide variant.
Coding change: c.2120A>G on transcript NM_032444.4 (MANE Select); coding-DNA position 2120, A replaced by G.
Protein change: p.Lys707Arg; replaces lysine 707 with arginine.
Molecular consequence: missense variant.
Genome position (GRCh38, 1-based): chr16:3,594,493, T>C on the plus strand (A>G on the coding strand, the complement: SLX4 is on the minus strand). VCF-style: chr16-3594493-T-C. GRCh37 (hg19) VCF-style: chr16-3644494-T-C.
Other names: c.2120A>G (LRG_503t1); short protein forms K707R.
Identifiers: ClinVar variation 456297 (VCV000456297.6), dbSNP rs1555450869, ClinGen allele CA394526011.

ClinVar aggregate classification (germline): Uncertain significance (1 of 4 stars; one submission).

Conditions:
Fanconi anemia (FA). Also called: Fanconi's anemia. Identifiers: Orphanet 84, MedGen C0015625, MeSH D005199, MONDO:0019391.

Allele frequency attached by ClinVar (database versions not stated): gnomAD exomes below 0.00001; gnomAD 0.00001.

Submission:

Labcorp Genetics (formerly Invitae), Labcorp
Classification: Uncertain significance for Fanconi anemia. Last evaluated: 2022-04-23. Review status: criteria provided, single submitter. Criteria: Invitae Variant Classification Sherloc (09022015). Collection method: clinical testing. Allele origin: germline.
Comment: This sequence change replaces lysine, which is basic and polar, with arginine, which is basic and polar, at codon 707 of the SLX4 protein (p.Lys707Arg). This variant is not present in population databases (gnomAD no frequency). This variant has not been reported in the literature in individuals affected with SLX4-related conditions. ClinVar contains an entry for this variant (Variation ID: 456297). Algorithms developed to predict the effect of missense changes on protein structure and function are either unavailable or do not agree on the potential impact of this missense change (SIFT: "Tolerated"; PolyPhen-2: "Probably Damaging"; Align-GVGD: "Class C0"). Algorithms developed to predict the effect of sequence changes on RNA splicing suggest that this variant may disrupt the consensus splice site. In summary, the available evidence is currently insufficient to determine the role of this variant in disease. Therefore, it has been classified as a Variant of Uncertain Significance.